The following is an entry in ClinVar:

NM_033100.4(CDHR1):c.713del (p.Asp238fs)

Gene: CDHR1 (cadherin related family member 1; plus strand). Cytogenetic location: 10q23.1.
Variant type: Deletion.
Coding change: c.713del on transcript NM_033100.4 (MANE Select); coding-DNA position 713, one base deleted (A; older notation c.713delA).
Protein change: p.Asp238fs; shifts the reading frame from aspartic acid 238.
Molecular consequence: frameshift variant.
Genome position (GRCh38, 1-based): chr10:84,203,053, A deleted. VCF-style (leftmost placement, unchanged base first): chr10-84203052-GA-G. GRCh37 (hg19) VCF-style: chr10-85962808-GA-G.
Other names: c.713del, p.Asp238fs (NM_001171971.3); short protein forms D238fs.
Identifiers: ClinVar variation 2699135 (VCV002699135.4), dbSNP rs2492497251, ClinGen allele CA2609953625.

ClinVar aggregate classification (germline): Pathogenic/Likely pathogenic. Review status: criteria provided, multiple submitters, no conflicts (2 of 4 stars). 2 submissions from 2 submitters: Pathogenic (1); Likely pathogenic (1). Last evaluated 2025-04-16.

Conditions:
Cone-rod dystrophy 15 (CORD15). Identifiers: MedGen C3150912, MONDO:0013348, OMIM 613660.

Allele frequency attached by ClinVar (database versions not stated): gnomAD exomes below 0.00001.

Submissions (2):

Labcorp Genetics (formerly Invitae), Labcorp
Classification: Pathogenic. Last evaluated: 2025-04-16. Review status: criteria provided, single submitter. Criteria: Invitae Variant Classification Sherloc (09022015). Collection method: clinical testing. Allele origin: germline.
Comment: This sequence change creates a premature translational stop signal (p.Asp238Valfs*29) in the CDHR1 gene. It is expected to result in an absent or disrupted protein product. Loss-of-function variants in CDHR1 are known to be pathogenic (PMID: 23044944, 23591405, 26103963, 26261414). This variant is not present in population databases (gnomAD no frequency). This variant has not been reported in the literature in individuals affected with CDHR1-related conditions. ClinVar contains an entry for this variant (Variation ID: 2699135). Algorithms developed to predict the effect of sequence changes on RNA splicing suggest that this variant may disrupt the consensus splice site. For these reasons, this variant has been classified as Pathogenic.

Department of Pathology and Laboratory Medicine, Sinai Health System
Classification: Likely pathogenic for Cone-rod dystrophy 15. Last evaluated: 2023-03-20. Review status: criteria provided, single submitter. Criteria: ACMG Guidelines, 2015. Collection method: research. Allele origin: germline.

Literature cited by the submitters: PubMed 23044944 (cited by Labcorp Genetics (formerly Invitae), Labcorp); PubMed 23591405 (cited by Labcorp Genetics (formerly Invitae), Labcorp); PubMed 26103963 (cited by Labcorp Genetics (formerly Invitae), Labcorp); PubMed 26261414 (cited by Labcorp Genetics (formerly Invitae), Labcorp).